The following is an entry in ClinVar:

ClinVar aggregate classification (germline): Uncertain significance. Review status: criteria provided, multiple submitters, no conflicts (2 of 4 stars). 2 submissions from 2 submitters: Uncertain significance (2). Last evaluated 2025-08-17.

Conditions:
Dyskeratosis congenita. Identifiers: Orphanet 1775, MedGen C0265965, MONDO:0015780.

Submissions (2):

Labcorp Genetics (formerly Invitae), Labcorp
Classification: Uncertain significance for Dyskeratosis congenita. Last evaluated: 2025-08-17. Review status: criteria provided, single submitter. Criteria: Invitae Variant Classification Sherloc (09022015). Collection method: clinical testing. Allele origin: germline.
Comment: This sequence change replaces arginine, which is basic and polar, with serine, which is neutral and polar, at codon 105 of the TINF2 protein (p.Arg105Ser). This variant is present in population databases (no rsID available, gnomAD 0.007%). This variant has not been reported in the literature in individuals affected with TINF2-related conditions. ClinVar contains an entry for this variant (Variation ID: 3704242). An algorithm developed to predict the effect of missense changes on protein structure and function (PolyPhen-2) suggests that this variant is likely to be tolerated. In summary, the available evidence is currently insufficient to determine the role of this variant in disease. Therefore, it has been classified as a Variant of Uncertain Significance.

Blueprint Genetics
Classification: Uncertain significance. Last evaluated: 2022-07-06. Review status: criteria provided, single submitter. Criteria: ACMG Guidelines, 2015. Collection method: clinical testing. Allele origin: germline.

NM_001099274.3(TINF2):c.315G>T (p.Arg105Ser)

Gene: TINF2 (TERF1 interacting nuclear factor 2; minus strand). Cytogenetic location: 14q12.
Variant type: single nucleotide variant.
Coding change: c.315G>T on transcript NM_001099274.3 (MANE Select); coding-DNA position 315, G replaced by T.
Protein change: p.Arg105Ser; replaces arginine 105 with serine.
Molecular consequence: missense variant.
Genome position (GRCh38, 1-based): chr14:24,241,759, C>A on the plus strand (G>T on the coding strand, the complement: TINF2 is on the minus strand). VCF-style: chr14-24241759-C-A. GRCh37 (hg19) VCF-style: chr14-24710965-C-A.
Other names: c.210G>T, p.Arg70Ser (NM_001363668.2); c.315G>T, p.Arg105Ser (NM_012461.3); short protein forms R70S, R105S.
Identifiers: ClinVar variation 3704242 (VCV003704242.3).
Genomic context (GRCh38, chr14:24,241,759, plus strand): 5'-AGGAGCCTCTGACAGCTGCTTCACCTGCTGGTAAAAAGTTTCCTGTGCCTCCAAAATCTT[C>A]CTCAGATCCTGCTTTGTCTGTTGAGGATACAGAAGACAGAGAAGTTAGCACCAACATCCA-3'
Protein context (NP_001092744.1, residues 95-115): RDPKATKQDL[Arg105Ser]KILEAQETFY